The following is an entry in ClinVar:

NM_018699.4(PRDM5):c.1634A>T (p.Tyr545Phe)

Gene: PRDM5 (PR/SET domain 5; minus strand). Cytogenetic location: 4q27.
Variant type: single nucleotide variant.
Coding change: c.1634A>T on transcript NM_018699.4 (MANE Select); coding-DNA position 1634, A replaced by T.
Protein change: p.Tyr545Phe; replaces tyrosine 545 with phenylalanine.
Molecular consequence: missense variant. On other transcripts: synonymous variant (1), intron variant (1).
Genome position (GRCh38, 1-based): chr4:120,710,403, T>A on the plus strand (A>T on the coding strand, the complement: PRDM5 is on the minus strand). VCF-style: chr4-120710403-T-A. GRCh37 (hg19) VCF-style: chr4-121631558-T-A.
Other names: c.1541A>T, p.Tyr514Phe (NM_001300823.2); c.1455A>T, p.Val485= (NM_001300824.2); c.1667A>T, p.Tyr556Phe (NM_001379104.1); c.1531-15128A>T (NM_001379106.1); short protein forms Y545F, Y514F, Y556F.
Identifiers: ClinVar variation 1776892 (VCV001776892.3), dbSNP rs757623680, ClinGen allele CA105109796.

ClinVar aggregate classification (germline): Uncertain significance (1 of 4 stars; one submission).

Conditions:
Cardiovascular phenotype. Identifiers: MedGen CN230736.

Allele frequency attached by ClinVar (database versions not stated): TOPMed below 0.00001; gnomAD 0.00001; gnomAD exomes 0.00001.
gnomAD v4.1: 22 of 1,613,956 alleles (0.0014%); highest among the groups gnomAD compares: Non-Finnish European, 0.0016%; no homozygotes.

Submission:

Ambry Genetics
Classification: Uncertain significance for Cardiovascular phenotype. Last evaluated: 2024-09-22. Review status: criteria provided, single submitter. Criteria: Ambry Variant Classification Scheme 2023. Collection method: clinical testing. Allele origin: germline.
Comment: The p.Y545F variant (also known as c.1634A>T), located in coding exon 15 of the PRDM5 gene, results from an A to T substitution at nucleotide position 1634. The tyrosine at codon 545 is replaced by phenylalanine, an amino acid with highly similar properties. This amino acid position is conserved. In addition, this alteration is predicted to be tolerated by in silico analysis. Since supporting evidence is limited at this time, the clinical significance of this alteration remains unclear.